The following is an entry in ClinVar:

ClinVar aggregate classification (germline): Benign (1 of 4 stars; one submission).

Conditions:
Prostate cancer, hereditary, 9 (HPC9). Identifiers: Orphanet 1331, MedGen C1970250, MONDO:0012597, OMIM 610997.

Submission:

Myriad Genetics, Inc.
Classification: Benign for Prostate cancer, hereditary, 9. Last evaluated: 2024-10-30. Review status: criteria provided, single submitter. Criteria: Myriad Autosomal Dominant, Autosomal Recessive and X-Linked Classification Criteria (2023). Collection method: clinical testing. Allele origin: unknown.
Comment: This variant is considered benign. This variant is a silent/synonymous amino acid change and it is not expected to impact splicing.

NM_006361.6(HOXB13):c.687G>C (p.Arg229=)

Gene: HOXB13 (homeobox B13; minus strand). Cytogenetic location: 17q21.32.
Variant type: single nucleotide variant.
Coding change: c.687G>C on transcript NM_006361.6 (MANE Select); coding-DNA position 687, G replaced by C.
Protein change: p.Arg229=; no amino-acid change (arginine 229 retained).
Molecular consequence: synonymous variant.
Genome position (GRCh38, 1-based): chr17:48,726,958, C>G on the plus strand (G>C on the coding strand, the complement: HOXB13 is on the minus strand). VCF-style: chr17-48726958-C-G. GRCh37 (hg19) VCF-style: chr17-46804320-C-G.
Identifiers: ClinVar variation 3772994 (VCV003772994.1).